The following is an entry in ClinVar:

ClinVar aggregate classification (germline): Conflicting classifications of pathogenicity. Review status: criteria provided, conflicting classifications (1 of 4 stars). 4 submissions from 4 submitters: Uncertain significance (3); Likely benign (1). Last evaluated 2025-12-31.

Conditions:
CFH-Related Dense Deposit Disease / Membranoproliferative Glomerulonephritis Type II. Identifiers: MedGen CN071292.

Allele frequency attached by ClinVar (database versions not stated): TOPMed 0.00006; ESP Exome Variant Server 0.00008.
gnomAD v4.1: 83 of 1,613,260 alleles (0.0051%); highest among the groups gnomAD compares: South Asian, 0.04%; 1 homozygote.

Submissions (4):

Labcorp Genetics (formerly Invitae), Labcorp
Classification: Likely benign. Last evaluated: 2025-12-31. Review status: criteria provided, single submitter. Criteria: Invitae Variant Classification Sherloc (09022015). Collection method: clinical testing. Allele origin: germline.

Mayo Clinic Laboratories, Mayo Clinic
Classification: Uncertain significance. Last evaluated: 2024-02-15. Review status: criteria provided, single submitter. Criteria: ACMG Guidelines, 2015. Collection method: clinical testing. Allele origin: germline. Observed: 1 variant allele.
Comment: BP4_strong

Blueprint Genetics
Classification: Uncertain significance. Last evaluated: 2021-03-15. Review status: criteria provided, single submitter. Criteria: ACMG Guidelines, 2015. Collection method: clinical testing. Allele origin: germline.

Illumina Laboratory Services, Illumina
Classification: Uncertain significance for Membranoproliferative glomerulonephritis with complement factor h deficiency. Last evaluated: 2018-01-13. Review status: criteria provided, single submitter. Criteria: ICSL Variant Classification Criteria 13 December 2019. Collection method: clinical testing. Allele origin: germline.

NM_030787.4(CFHR5):c.647A>G (p.Asn216Ser)

Gene: CFHR5 (complement factor H related 5; plus strand). Cytogenetic location: 1q31.3.
Variant type: single nucleotide variant.
Coding change: c.647A>G on transcript NM_030787.4 (MANE Select); coding-DNA position 647, A replaced by G.
Protein change: p.Asn216Ser; replaces asparagine 216 with serine.
Molecular consequence: missense variant.
Genome position (GRCh38, 1-based): chr1:196,995,756, A>G. VCF-style: chr1-196995756-A-G. GRCh37 (hg19) VCF-style: chr1-196964886-A-G.
Other names: short protein forms N216S.
Identifiers: ClinVar variation 294544 (VCV000294544.11), dbSNP rs147488267, ClinGen allele CA1307825.